The following is an entry in ClinVar:

NM_001142800.2(EYS):c.737C>T (p.Pro246Leu)

Gene: EYS (eyes shut homolog; minus strand). Cytogenetic location: 6q12.
Variant type: single nucleotide variant.
Coding change: c.737C>T on transcript NM_001142800.2 (MANE Select); coding-DNA position 737, C replaced by T.
Protein change: p.Pro246Leu; replaces proline 246 with leucine.
Molecular consequence: missense variant.
Genome position (GRCh38, 1-based): chr6:65,494,674, G>A on the plus strand (C>T on the coding strand, the complement: EYS is on the minus strand). VCF-style: chr6-65494674-G-A. GRCh37 (hg19) VCF-style: chr6-66204567-G-A.
Other names: c.737C>T, p.Pro246Leu (NM_001142801.2, NM_001292009.2, NM_198283.2); short protein forms P246L.
Identifiers: ClinVar variation 2162975 (VCV002162975.1), dbSNP rs2533027149, ClinGen allele CA364789240.
Genomic context (GRCh38, chr6:65,494,674, plus strand): 5'-CACTGTGTTTCTCTATTTTAATAAAATTATATATTTTAAACAATCTTACCTGTAAATGGT[G>A]GGTGACAGACACATTCATATGCTTGCTCATCCCAATTTTCTCTTTTATTAATGCAACTGC-3'
Protein context (NP_001136272.1, residues 236-256): DEQAYECVCH[Pro246Leu]PFTGKNCSEI

ClinVar aggregate classification (germline): Uncertain significance (1 of 4 stars; one submission).

Allele frequency attached by ClinVar (database versions not stated): gnomAD exomes below 0.00001.
gnomAD v4.1: 1 of 1,565,890 alleles (0.000064%); highest among the groups gnomAD compares: South Asian, 0.0012%; no homozygotes.

Submission:

Labcorp Genetics (formerly Invitae), Labcorp
Classification: Uncertain significance. Last evaluated: 2022-06-26. Review status: criteria provided, single submitter. Criteria: Invitae Variant Classification Sherloc (09022015). Collection method: clinical testing. Allele origin: germline.
Comment: This sequence change replaces proline, which is neutral and non-polar, with leucine, which is neutral and non-polar, at codon 246 of the EYS protein (p.Pro246Leu). This variant is not present in population databases (gnomAD no frequency). This variant has not been reported in the literature in individuals affected with EYS-related conditions. Algorithms developed to predict the effect of missense changes on protein structure and function output the following: SIFT: "Tolerated"; PolyPhen-2: "Benign"; Align-GVGD: "Class C0". The leucine amino acid residue is found in multiple mammalian species, which suggests that this missense change does not adversely affect protein function. In summary, the available evidence is currently insufficient to determine the role of this variant in disease. Therefore, it has been classified as a Variant of Uncertain Significance.